The following is an entry in ClinVar:

ClinVar aggregate classification (germline): Conflicting classifications of pathogenicity. Review status: criteria provided, conflicting classifications (1 of 4 stars). 2 submissions from 2 submitters: Uncertain significance (1); Likely benign (1). Last evaluated 2023-12-28.

Allele frequency attached by ClinVar (database versions not stated): gnomAD 0.00001; ExAC 0.00003.

Submissions (2):

Ambry Genetics
Classification: Uncertain significance. Last evaluated: 2023-12-28. Review status: criteria provided, single submitter. Criteria: Ambry Variant Classification Scheme 2023. Collection method: clinical testing. Allele origin: germline.

CeGaT Center for Human Genetics Tuebingen
Classification: Likely benign. Last evaluated: 2022-09-01. Review status: criteria provided, single submitter. Criteria: CeGaT Center For Human Genetics Tuebingen Variant Classification Criteria Version 2. Collection method: clinical testing. Allele origin: germline. Affected: yes. Observed: 1 variant allele.
Comment: USF3: BP4

NM_001009899.4(USF3):c.5310G>A (p.Met1770Ile)

Gene: USF3 (upstream transcription factor family member 3; minus strand). Cytogenetic location: 3q13.2.
Variant type: single nucleotide variant.
Coding change: c.5310G>A on transcript NM_001009899.4 (MANE Select); coding-DNA position 5310, G replaced by A.
Protein change: p.Met1770Ile; replaces methionine 1770 with isoleucine.
Molecular consequence: missense variant.
Genome position (GRCh38, 1-based): chr3:113,656,372, C>T on the plus strand (G>A on the coding strand, the complement: USF3 is on the minus strand). VCF-style: chr3-113656372-C-T. GRCh37 (hg19) VCF-style: chr3-113375219-C-T.
Other names: c.5310G>A (NM_001009899.2); short protein forms M1770I.
Identifiers: ClinVar variation 2654045 (VCV002654045.25), dbSNP rs775426102, ClinGen allele CA2546684.